The following is an entry in ClinVar:

ClinVar aggregate classification (germline): Uncertain significance (1 of 4 stars; one submission).

Conditions:
Epileptic encephalopathy. Identifiers: MedGen C0543888, HP:0200134.

Allele frequency attached by ClinVar (database versions not stated): gnomAD exomes 0.00002; TOPMed 0.00002; ExAC 0.00003.
gnomAD v4.1: 6 of 1,612,332 alleles (0.00037%); highest among the groups gnomAD compares: Admixed American, 0.01%; no homozygotes.

Submission:

Labcorp Genetics (formerly Invitae), Labcorp
Classification: Uncertain significance for Epileptic encephalopathy. Last evaluated: 2025-10-20. Review status: criteria provided, single submitter. Criteria: Invitae Variant Classification Sherloc (09022015). Collection method: clinical testing. Allele origin: germline.
Comment: This sequence change replaces glycine, which is neutral and non-polar, with aspartic acid, which is acidic and polar, at codon 46 of the FASN protein (p.Gly46Asp). This variant is present in population databases (rs772395979, gnomAD 0.02%). This variant has not been reported in the literature in individuals affected with FASN-related conditions. ClinVar contains an entry for this variant (Variation ID: 1405305). An algorithm developed to predict the effect of missense changes on protein structure and function (PolyPhen-2) suggests that this variant is likely to be disruptive. In summary, the available evidence is currently insufficient to determine the role of this variant in disease. Therefore, it has been classified as a Variant of Uncertain Significance.

NM_004104.5(FASN):c.137G>A (p.Gly46Asp)

Gene: FASN (fatty acid synthase; minus strand). Cytogenetic location: 17q25.3.
Variant type: single nucleotide variant.
Coding change: c.137G>A on transcript NM_004104.5 (MANE Select); coding-DNA position 137, G replaced by A.
Protein change: p.Gly46Asp; replaces glycine 46 with aspartic acid.
Molecular consequence: missense variant.
Genome position (GRCh38, 1-based): chr17:82,095,463, C>T on the plus strand (G>A on the coding strand, the complement: FASN is on the minus strand). VCF-style: chr17-82095463-C-T. GRCh37 (hg19) VCF-style: chr17-80053339-C-T.
Other names: short protein forms G46D.
Identifiers: ClinVar variation 1405305 (VCV001405305.8), dbSNP rs772395979, ClinGen allele CA8853643.